The following is an entry in ClinVar:

ClinVar aggregate classification (germline): Uncertain significance (1 of 4 stars; one submission).

Submission:

GeneDx
Classification: Uncertain significance. Last evaluated: 2025-04-02. Review status: criteria provided, single submitter. Criteria: GeneDx Variant Classification Process June 2021. Collection method: clinical testing. Allele origin: germline. Affected: yes.
Comment: Not observed at significant frequency in large population cohorts (gnomAD); In silico analysis indicates that this missense variant does not alter protein structure/function; Has not been previously published as pathogenic or benign to our knowledge

NM_004369.4(COL6A3):c.8071G>A (p.Asp2691Asn)

Gene: COL6A3 (collagen type VI alpha 3 chain; minus strand). Cytogenetic location: 2q37.3.
Variant type: single nucleotide variant.
Coding change: c.8071G>A on transcript NM_004369.4 (MANE Select); coding-DNA position 8071, G replaced by A.
Protein change: p.Asp2691Asn; replaces aspartic acid 2691 with asparagine.
Molecular consequence: missense variant.
Genome position (GRCh38, 1-based): chr2:237,340,845, C>T on the plus strand (G>A on the coding strand, the complement: COL6A3 is on the minus strand). VCF-style: chr2-237340845-C-T. GRCh37 (hg19) VCF-style: chr2-238249488-C-T.
Other names: c.6250G>A, p.Asp2084Asn (NM_057166.5); c.7453G>A, p.Asp2485Asn (NM_057167.4); short protein forms D2084N, D2485N, D2691N.
Identifiers: ClinVar variation 4278874 (VCV004278874.1).
Genomic context (GRCh38, chr2:237,340,845, plus strand): 5'-CCTGCAACTGTGTCATTCCCCTGCTGAGGAAGTCCACCAGCTTCTCCTTGGAGCCATAGT[C>T]AGTCAGGGAGAATTCCACCTTCACAGGTGGCATGCTGGCATTGTCCACGGACTCAGAGGG-3'
Protein context (NP_004360.2, residues 2681-2701): PPVKVEFSLT[Asp2691Asn]YGSKEKLVDF